The following is an entry in ClinVar:

ClinVar aggregate classification (germline): Uncertain significance (1 of 4 stars; one submission).

gnomAD v4.1: 1 of 1,613,398 alleles (0.000062%); highest among the groups gnomAD compares: South Asian, 0.0011%; no homozygotes.

Submission:

Ambry Genetics
Classification: Uncertain significance. Last evaluated: 2025-08-20. Review status: criteria provided, single submitter. Criteria: Ambry Variant Classification Scheme 2023. Collection method: clinical testing. Allele origin: germline.
Comment: The p.L897V variant (also known as c.2689C>G), located in coding exon 11 of the WNK2 gene, results from a C to G substitution at nucleotide position 2689. The leucine at codon 897 is replaced by valine, an amino acid with highly similar properties. This amino acid position is conserved. In addition, this alteration is predicted to be tolerated by in silico analysis. Based on the available evidence, the clinical significance of this variant remains unclear.

NM_006648.4(WNK2):c.2689C>G (p.Leu897Val)

Gene: WNK2 (WNK lysine deficient protein kinase 2; plus strand). Cytogenetic location: 9q22.31.
Variant type: single nucleotide variant.
Coding change: c.2689C>G on transcript NM_006648.4 (MANE Select); coding-DNA position 2689, C replaced by G.
Protein change: p.Leu897Val; replaces leucine 897 with valine.
Molecular consequence: missense variant.
Genome position (GRCh38, 1-based): chr9:93,259,237, C>G. VCF-style: chr9-93259237-C-G. GRCh37 (hg19) VCF-style: chr9-96021519-C-G.
Other names: c.2689C>G, p.Leu897Val (NM_001282394.3); short protein forms L897V.
Identifiers: ClinVar variation 4201788 (VCV004201788.1).